The following is an entry in ClinVar:

ClinVar aggregate classification (germline): Uncertain significance. Review status: criteria provided, multiple submitters, no conflicts (2 of 4 stars). 5 submissions from 5 submitters: Uncertain significance (5). Last evaluated 2026-04-16.

Conditions:
Usher syndrome type 2A. Also called: RETINAL DISEASE IN USHER SYNDROME TYPE IIA, MODIFIER OF; USHER SYNDROME, TYPE IIA. Identifiers: Orphanet 231178, Orphanet 886, MedGen C1848634, MONDO:0010169, OMIM 276901.

gnomAD v4.1: 2 of 1,612,742 alleles (0.00012%); highest among the groups gnomAD compares: African/African-American, 0.0013%; no homozygotes.

Submissions (5):

Women's Health and Genetics/Laboratory Corporation of America, LabCorp
Classification: Uncertain significance. Last evaluated: 2026-04-16. Review status: criteria provided, single submitter. Criteria: LabCorp Variant Classification Summary - May 2015. Collection method: clinical testing. Allele origin: germline.
Comment: Variant summary: USH2A c.7238A>G (p.Asn2413Ser) results in a conservative amino acid change in the encoded protein sequence. Algorithms developed to predict the effect of missense changes on protein structure and function all suggest that this variant is likely to be tolerated. The variant allele was found at a frequency of 4e-06 in 250966 control chromosomes (gnomAD). The available data on variant occurrences in the general population are insufficient to allow any conclusion about variant significance. c.7238A>G has been observed in an individual affected with Usher Syndrome (Krawitz_2014). These data do not allow any conclusion about variant significance. To our knowledge, no experimental evidence demonstrating an impact on protein function has been reported. The following publications have been ascertained in the context of this evaluation (PMID: 31964843, 25333064). ClinVar contains an entry for this variant (Variation ID: 2734087). Based on the evidence outlined above, the variant was classified as uncertain significance.

3billion
Classification: Uncertain significance for Usher syndrome type 2A. Last evaluated: 2025-11-27. Review status: criteria provided, single submitter. Criteria: ACMG Guidelines, 2015. Collection method: clinical testing. Allele origin: germline. Affected: yes.
Comment: The variant is observed at an extremely low frequency in the gnomAD v4.1.0 dataset (total allele frequency: <0.001%). Predicted Consequence/Location: Missense variant In silico tool predictions suggest damaging effect of the variant on gene or gene product [REVEL: 0.60 (>=0.6, sensitivity 0.68 and specificity 0.92)]. The same nucleotide change resulting in the same amino acid change has been previously reported to be associated with USH2A-related disorder (PMID: 25333064). However, the evidence of pathogenicity is insufficient at this time. Therefore, this variant is classified as VUS according to the recommendation of ACMG/AMP guideline.

Victorian Clinical Genetics Services, Murdoch Childrens Research Institute
Classification: Uncertain significance for Usher syndrome type 2A. Last evaluated: 2025-09-29. Review status: criteria provided, single submitter. Criteria: ACMG Guidelines, 2015. Collection method: clinical testing. Allele origin: germline. Affected: yes.
Comment: This variant is classified as VUS-3A. Evidence in support of pathogenic classification: Variant is present in gnomAD <0.01 for a recessive condition (v4: 2 heterozygote(s), 0 homozygote(s)); Heterozygous variant detected in trans with a second PATHOGENIC heterozygous variant (NM_206933.4(USH2A):c.14180G>A; p.(Trp4727*)) in a recessive disease. Evidence in support of benign classification: Missense variant predicted to be tolerated by in silico tool(s) or not conserved in placental mammals with a minor amino acid change. However, abnormal splicing is predicted by an in silico tool. Additional information: Variant is predicted to result in a missense amino acid change from Asn to Ser; This variant is heterozygous; This gene is associated with autosomal recessive disease; Alternative amino acid change(s) at the same position are present in gnomAD (Highest allele count: v4: 9 heterozygote(s), 0 homozygote(s)); Previous evidence of pathogenicity for this variant is inconclusive. This variant has been classified as a VUS by clinical laboratories in ClinVar. Additionally, it has been reported in the literature in an individual with Usher syndrome, who also had an NMD-predicted variant (PMID: 25333064); No published evidence of segregation with disease has been identified for this variant; No published functional evidence has been identified for this variant; No comparable missense variants have previous evidence for pathogenicity; Variant is located at N-glycosylation site (DECIPHER); Loss of function is a known mechanism of disease in this gene and is associated with Usher syndrome, type 2A (MIM#276901) and retinitis pigmentosa (RP; MIM#6138093). Null variants are associated with Usher syndrome, while homozygous missense variants which lead to partially functional proteins typically cause non-syndromic RP (PMID: 20301515).

Labcorp Genetics (formerly Invitae), Labcorp
Classification: Uncertain significance. Last evaluated: 2022-12-31. Review status: criteria provided, single submitter. Criteria: Invitae Variant Classification Sherloc (09022015). Collection method: clinical testing. Allele origin: germline.
Comment: In summary, the available evidence is currently insufficient to determine the role of this variant in disease. Therefore, it has been classified as a Variant of Uncertain Significance. Algorithms developed to predict the effect of sequence changes on RNA splicing suggest that this variant may disrupt the consensus splice site. Advanced modeling of protein sequence and biophysical properties (such as structural, functional, and spatial information, amino acid conservation, physicochemical variation, residue mobility, and thermodynamic stability) performed at Invitae indicates that this missense variant is not expected to disrupt USH2A protein function. This missense change has been observed in individual(s) with clinical features of retinitis pigmentosa and/or Usher syndrome (PMID: 25333064; Invitae). This variant is present in population databases (rs780840434, gnomAD 0.007%). This sequence change replaces asparagine, which is neutral and polar, with serine, which is neutral and polar, at codon 2413 of the USH2A protein (p.Asn2413Ser).

Blueprint Genetics
Classification: Uncertain significance. Last evaluated: 2021-10-18. Review status: criteria provided, single submitter. Criteria: ACMG Guidelines, 2015. Collection method: clinical testing. Allele origin: germline.

Literature cited by the submitters: PubMed 25333064 (cited by 4 submitters); PubMed 31964843 (cited by Women's Health and Genetics/Laboratory Corporation of America, LabCorp); PubMed 20301515 (cited by Victorian Clinical Genetics Services, Murdoch Childrens Research Institute).

NM_206933.4(USH2A):c.7238A>G (p.Asn2413Ser)

Gene: USH2A (usherin; minus strand). Cytogenetic location: 1q41.
Variant type: single nucleotide variant.
Coding change: c.7238A>G on transcript NM_206933.4 (MANE Select); coding-DNA position 7238, A replaced by G.
Protein change: p.Asn2413Ser; replaces asparagine 2413 with serine.
Molecular consequence: missense variant.
Genome position (GRCh38, 1-based): chr1:215,934,678, T>C on the plus strand (A>G on the coding strand, the complement: USH2A is on the minus strand). VCF-style: chr1-215934678-T-C. GRCh37 (hg19) VCF-style: chr1-216108020-T-C.
Other names: short protein forms N2413S.
Identifiers: ClinVar variation 2734087 (VCV002734087.9), dbSNP rs780840434, ClinGen allele CA1394910.